The following is an entry in ClinVar:

NM_152393.4(KLHL40):c.1253G>T (p.Gly418Val)

Gene: KLHL40 (kelch like family member 40; plus strand). Cytogenetic location: 3p22.1.
Variant type: single nucleotide variant.
Coding change: c.1253G>T on transcript NM_152393.4 (MANE Select); coding-DNA position 1253, G replaced by T.
Protein change: p.Gly418Val; replaces glycine 418 with valine.
Molecular consequence: missense variant.
Genome position (GRCh38, 1-based): chr3:42,688,242, G>T. VCF-style: chr3-42688242-G-T. GRCh37 (hg19) VCF-style: chr3-42729734-G-T.
Other names: short protein forms G418V.
Identifiers: ClinVar variation 1407051 (VCV001407051.8), dbSNP rs1697303545, ClinGen allele CA352293509.

ClinVar aggregate classification (germline): Uncertain significance (1 of 4 stars; one submission).

Conditions:
Nemaline myopathy 8 (NEM8). Also called: Nemaline myopathy 8, autosomal recessive. Identifiers: Orphanet 171430, MedGen C3809209, MONDO:0014138, OMIM 615348.

Allele frequency attached by ClinVar (database versions not stated): gnomAD exomes below 0.00001; TOPMed below 0.00001; gnomAD 0.00001.
gnomAD v4.1: 2 of 1,613,926 alleles (0.00012%); highest among the groups gnomAD compares: Admixed American, 0.0033%; no homozygotes.

Submission:

Labcorp Genetics (formerly Invitae), Labcorp
Classification: Uncertain significance for Nemaline myopathy 8. Last evaluated: 2022-08-10. Review status: criteria provided, single submitter. Criteria: Invitae Variant Classification Sherloc (09022015). Collection method: clinical testing. Allele origin: germline.
Comment: Algorithms developed to predict the effect of missense changes on protein structure and function are either unavailable or do not agree on the potential impact of this missense change (SIFT: "Deleterious"; PolyPhen-2: "Possibly Damaging"; Align-GVGD: "Class C0"). In summary, the available evidence is currently insufficient to determine the role of this variant in disease. Therefore, it has been classified as a Variant of Uncertain Significance. ClinVar contains an entry for this variant (Variation ID: 1407051). This variant has not been reported in the literature in individuals affected with KLHL40-related conditions. This variant is not present in population databases (gnomAD no frequency). This sequence change replaces glycine, which is neutral and non-polar, with valine, which is neutral and non-polar, at codon 418 of the KLHL40 protein (p.Gly418Val).